The following is an entry in ClinVar:

NM_000520.6(HEXA):c.986+2T>C

Gene: HEXA (hexosaminidase subunit alpha; minus strand). Cytogenetic location: 15q23.
Variant type: single nucleotide variant.
Coding change: c.986+2T>C on transcript NM_000520.6 (MANE Select); the canonical splice donor site of the intron after coding-DNA position 986, T replaced by C.
Molecular consequence: splice donor variant.
Genome position (GRCh38, 1-based): chr15:72,349,077, A>G on the plus strand (T>C on the coding strand, the complement: HEXA is on the minus strand). VCF-style: chr15-72349077-A-G. GRCh37 (hg19) VCF-style: chr15-72641418-A-G.
Other names: c.1019+2T>C (NM_001318825.2).
Identifiers: ClinVar variation 2645511 (VCV002645511.24), dbSNP rs2542522525, ClinGen allele CA393062091.

ClinVar aggregate classification (germline): Pathogenic (1 of 4 stars; one submission).

Submission:

CeGaT Center for Human Genetics Tuebingen
Classification: Pathogenic. Last evaluated: 2023-08-01. Review status: criteria provided, single submitter. Criteria: CeGaT Center For Human Genetics Tuebingen Variant Classification Criteria Version 2. Collection method: clinical testing. Allele origin: germline. Affected: yes. Observed: 1 variant allele.
Comment: HEXA: PVS1, PM2